The following is an entry in ClinVar:

NM_153209.4(KIF19):c.1906T>G (p.Tyr636Asp)

Gene: KIF19 (kinesin family member 19; plus strand). Cytogenetic location: 17q25.1.
Variant type: single nucleotide variant.
Coding change: c.1906T>G on transcript NM_153209.4 (MANE Select); coding-DNA position 1906, T replaced by G.
Protein change: p.Tyr636Asp; replaces tyrosine 636 with aspartic acid.
Molecular consequence: missense variant.
Genome position (GRCh38, 1-based): chr17:74,352,266, T>G. VCF-style: chr17-74352266-T-G. GRCh37 (hg19) VCF-style: chr17-72348405-T-G.
Other names: short protein forms Y636D.
Identifiers: ClinVar variation 1252050 (VCV001252050.2), dbSNP rs777983592, ClinGen allele CA400908557.

ClinVar aggregate classification (germline): Uncertain significance. Review status: criteria provided, single submitter (1 of 4 stars). 2 submissions from 1 submitter: Uncertain significance (1). 1 of the submissions does not count toward it. Last evaluated 2024-03-26.

Conditions:
Non-immune hydrops fetalis (NIHF). Also called: Fetal edema; Idiopathic hydrops fetalis; Familial non-immune hydrops fetalis. Identifiers: Orphanet 363999, MedGen C0455988, MONDO:0009369, OMIM 236750, HP:0001790.

Submissions (2):

Genomic Medicine Center of Excellence, King Faisal Specialist Hospital and Research Centre
Classification: Uncertain significance. Last evaluated: 2024-03-26. Review status: criteria provided, single submitter. Criteria: ACMG Guidelines, 2015. Collection method: clinical testing. Allele origin: germline.

Genomic Medicine Center of Excellence, King Faisal Specialist Hospital and Research Centre
Classification: Pathogenic for Non-immune hydrops fetalis. Last evaluated: 2021-04-29. Review status: flagged submission. Collection method: research. Allele origin: germline. Affected: yes. Not counted in ClinVar's aggregate classification.
ClinVar note: Reason: This record appears to be redundant with a more recent record from the same submitter.
ClinVar note: Notes: SCV001870489 appears to be redundant with SCV004807108.